The following is an entry in ClinVar:

ClinVar aggregate classification (germline): Uncertain significance (1 of 4 stars; one submission).

Conditions:
Cardiovascular phenotype. Identifiers: MedGen CN230736.

Submission:

Ambry Genetics
Classification: Uncertain significance for Cardiovascular phenotype. Last evaluated: 2026-07-26. Review status: criteria provided, single submitter. Criteria: Ambry Variant Classification Scheme 2023. Collection method: clinical testing. Allele origin: germline.
Comment: The p.S895I variant (also known as c.2684G>T), located in coding exon 1 of the ZNF469 gene, results from a G to T substitution at nucleotide position 2684. The serine at codon 895 is replaced by isoleucine, an amino acid with dissimilar properties. This amino acid position is conserved. In addition, this alteration is predicted to be tolerated by in silico analysis. Based on the available evidence, the clinical significance of this variant remains unclear.

NM_001367624.2(ZNF469):c.2684G>T (p.Ser895Ile)

Gene: ZNF469 (zinc finger protein 469; plus strand). Cytogenetic location: 16q24.2.
Variant type: single nucleotide variant.
Coding change: c.2684G>T on transcript NM_001367624.2 (MANE Select); coding-DNA position 2684, G replaced by T.
Protein change: p.Ser895Ile; replaces serine 895 with isoleucine.
Molecular consequence: missense variant.
Genome position (GRCh38, 1-based): chr16:88,430,154, G>T. VCF-style: chr16-88430154-G-T. GRCh37 (hg19) VCF-style: chr16-88496562-G-T.
Other names: NM_001127464.1:c.2684G>T; short protein forms S895I.
Identifiers: ClinVar variation 5032235 (VCV005032235.1).
Genomic context (GRCh38, chr16:88,430,154, plus strand): 5'-GCCCCAGAGGTCCCAGCTCCGGACACCCCCTTAAGAGCAAGGCGGGGGTGACTCCAGAGA[G>T]CAAAGCTCCGCCCCCGCTCCCAGCAGCCACGCCGGACCCCCAAACCCCCCGCCCTGGGGA-3'
Protein context (NP_001354553.1, residues 885-905): LKSKAGVTPE[Ser895Ile]KAPPPLPAAT